The following is an entry in ClinVar:

NM_017612.5(ZCCHC8):c.1540G>T (p.Ala514Ser)

Genes: ZCCHC8 (zinc finger CCHC-type containing 8; minus strand), LOC130009053 (ATAC-STARR-seq lymphoblastoid active region 7226; plus strand). Cytogenetic location: 12q24.31.
Variant type: single nucleotide variant.
Coding change: c.1540G>T on transcript NM_017612.5 (MANE Select); coding-DNA position 1540, G replaced by T.
Protein change: p.Ala514Ser; replaces alanine 514 with serine.
Molecular consequence: missense variant.
Genome position (GRCh38, 1-based): chr12:122,474,081, C>A on the plus strand (G>T on the coding strand, the complement: ZCCHC8 is on the minus strand). VCF-style: chr12-122474081-C-A. GRCh37 (hg19) VCF-style: chr12-122958628-C-A.
Other names: c.1309G>T, p.Ala437Ser (NM_001350935.2); c.1243G>T, p.Ala415Ser (NM_001350936.2); c.826G>T, p.Ala276Ser (NM_001350937.2, NM_001350938.2); short protein forms A514S, A437S, A276S, A415S.
Identifiers: ClinVar variation 1469615 (VCV001469615.8), dbSNP rs749468647, ClinGen allele CA6846145.
Genomic context (GRCh38, chr12:122,474,081, plus strand): 5'-CCTGCTCAAGAGCTGCCCAGATCCGCCTCTGCTGTTCTTCAAGTTCTTCTAGAGTCAGTG[C>A]GTCCTCATCCACAGCTCCAGATGCTGTTCTGGTCTGGGGTGAGTCACTGGGAGTCAGCGG-3'
Protein context (NP_060082.2, residues 504-524): RTASGAVDED[Ala514Ser]LTLEELEEQQ

ClinVar aggregate classification (germline): Uncertain significance (1 of 4 stars; one submission).

Submission:

Labcorp Genetics (formerly Invitae), Labcorp
Classification: Uncertain significance. Last evaluated: 2025-11-22. Review status: criteria provided, single submitter. Criteria: Invitae Variant Classification Sherloc (09022015). Collection method: clinical testing. Allele origin: germline.
Comment: This sequence change replaces alanine, which is neutral and non-polar, with serine, which is neutral and polar, at codon 514 of the ZCCHC8 protein (p.Ala514Ser). This variant is present in population databases (rs749468647, gnomAD 0.007%). This variant has not been reported in the literature in individuals affected with ZCCHC8-related conditions. ClinVar contains an entry for this variant (Variation ID: 1469615). Invitae Evidence Modeling of protein sequence and biophysical properties (such as structural, functional, and spatial information, amino acid conservation, physicochemical variation, residue mobility, and thermodynamic stability) indicates that this missense variant is not expected to disrupt ZCCHC8 protein function with a negative predictive value of 80%. In summary, the available evidence is currently insufficient to determine the role of this variant in disease. Therefore, it has been classified as a Variant of Uncertain Significance.